The following is an entry in ClinVar:

ClinVar aggregate classification (germline): Uncertain significance. Review status: criteria provided, multiple submitters, no conflicts (2 of 4 stars). 2 submissions from 2 submitters: Uncertain significance (2). Last evaluated 2025-01-27.

Conditions:
Fanconi anemia (FA). Also called: Fanconi's anemia. Identifiers: Orphanet 84, MedGen C0015625, MeSH D005199, MONDO:0019391.
Inborn genetic diseases. Identifiers: MedGen C0950123, MeSH D030342.

Submissions (2):

Ambry Genetics
Classification: Uncertain significance for Inborn genetic diseases. Last evaluated: 2025-01-27. Review status: criteria provided, single submitter. Criteria: Ambry Variant Classification Scheme 2023. Collection method: clinical testing. Allele origin: germline.
Comment: The p.V1708L variant (also known as c.5122G>T), located in coding exon 20 of the FANCM gene, results from a G to T substitution at nucleotide position 5122. The valine at codon 1708 is replaced by leucine, an amino acid with highly similar properties. This amino acid position is conserved. In addition, this alteration is predicted to be tolerated by in silico analysis. Based on the available evidence, the clinical significance of this variant remains unclear.

Labcorp Genetics (formerly Invitae), Labcorp
Classification: Uncertain significance for Fanconi anemia. Last evaluated: 2021-05-05. Review status: criteria provided, single submitter. Criteria: Invitae Variant Classification Sherloc (09022015). Collection method: clinical testing. Allele origin: germline.
Comment: In summary, the available evidence is currently insufficient to determine the role of this variant in disease. Therefore, it has been classified as a Variant of Uncertain Significance. Algorithms developed to predict the effect of missense changes on protein structure and function output the following: SIFT: "Tolerated"; PolyPhen-2: "Benign"; Align-GVGD: "Class C0". The leucine amino acid residue is found in multiple mammalian species, suggesting that this missense change does not adversely affect protein function. These predictions have not been confirmed by published functional studies and their clinical significance is uncertain. This variant has not been reported in the literature in individuals with FANCM-related conditions. This variant is not present in population databases (ExAC no frequency). This sequence change replaces valine with leucine at codon 1708 of the FANCM protein (p.Val1708Leu). The valine residue is weakly conserved and there is a small physicochemical difference between valine and leucine.

NM_020937.4(FANCM):c.5122G>T (p.Val1708Leu)

Gene: FANCM (FA complementation group M; plus strand). Cytogenetic location: 14q21.2.
Variant type: single nucleotide variant.
Coding change: c.5122G>T on transcript NM_020937.4 (MANE Select); coding-DNA position 5122, G replaced by T.
Protein change: p.Val1708Leu; replaces valine 1708 with leucine.
Molecular consequence: missense variant.
Genome position (GRCh38, 1-based): chr14:45,189,144, G>T. VCF-style: chr14-45189144-G-T. GRCh37 (hg19) VCF-style: chr14-45658347-G-T.
Other names: c.5044G>T, p.Val1682Leu (NM_001308133.2); short protein forms V1682L, V1708L.
Identifiers: ClinVar variation 969077 (VCV000969077.10), dbSNP rs1566783242, ClinGen allele CA389612528.
Genomic context (GRCh38, chr14:45,189,144, plus strand): 5'-ATTGCGGTTAACCCAAGCACTGTTAAGAAGAACAAACAACAGGACCATTGTTTAAATTCA[G>T]TGCCTTCTGGATCTTCTGCGCAGTCCAAGGTGCGTTCTACTCCAAGAGTTAATCCATTAG-3'
Protein context (NP_065988.1, residues 1698-1718): NKQQDHCLNS[Val1708Leu]PSGSSAQSKV